The following is an entry in ClinVar:

NM_001136193.2(FASTKD2):c.882-312G>T

Genes: FASTKD2 (FAST kinase domains 2; plus strand), LOC126806484 (CDK7 strongly-dependent group 2 enhancer GRCh37_chr2:207634423-207635622; plus strand). Cytogenetic location: 2q33.3.
Variant type: single nucleotide variant.
Coding change: c.882-312G>T on transcript NM_001136193.2 (MANE Select); 312 bases into the intron before coding-DNA position 882, G replaced by T.
Molecular consequence: intron variant.
Genome position (GRCh38, 1-based): chr2:206,770,870, G>T. VCF-style: chr2-206770870-G-T. GRCh37 (hg19) VCF-style: chr2-207635594-G-T.
Other names: c.882-312G>T (NM_001136194.2, NM_014929.4).
Identifiers: ClinVar variation 671648 (VCV000671648.1), dbSNP rs3762569, ClinGen allele CA63713845.
Genomic context (GRCh38, chr2:206,770,870, plus strand): 5'-GACTATGTGAGGGTTGACGTTGACCCAGCTTGAAAAGGGATTTATAAAATTGATATAAAT[G>T]ATCTAATGTCATAGATTAGTGAGAGTAAAACTTAACTCCCTTTGACATTGACTATGCATA-3'

ClinVar aggregate classification (germline): Benign (1 of 4 stars; one submission).

Allele frequency attached by ClinVar (database versions not stated): 1000 Genomes Project 0.11442; 1000 Genomes Project 30x 0.11805; gnomAD 0.11922 and 0.12197; TOPMed 0.12535.
gnomAD v4.1: 18,021 of 152,084 alleles (12%); highest among the groups gnomAD compares: African/African-American, 24%; 1,507 homozygotes.

Submission:

GeneDx
Classification: Benign. Last evaluated: 2018-06-14. Review status: criteria provided, single submitter. Criteria: GeneDx Variant Classification (06012015). Collection method: clinical testing. Allele origin: germline. Affected: yes.
Comment: This variant is considered likely benign or benign based on one or more of the following criteria: it is a conservative change, it occurs at a poorly conserved position in the protein, it is predicted to be benign by multiple in silico algorithms, and/or has population frequency not consistent with disease.